The following is an entry in ClinVar:

NM_015909.4(NBAS):c.6382G>C (p.Val2128Leu)

Gene: NBAS (NBAS subunit of NRZ tethering complex; minus strand). Cytogenetic location: 2p24.3.
Variant type: single nucleotide variant.
Coding change: c.6382G>C on transcript NM_015909.4 (MANE Select); coding-DNA position 6382, G replaced by C.
Protein change: p.Val2128Leu; replaces valine 2128 with leucine.
Molecular consequence: missense variant.
Genome position (GRCh38, 1-based): chr2:15,218,823, C>G on the plus strand (G>C on the coding strand, the complement: NBAS is on the minus strand). VCF-style: chr2-15218823-C-G. GRCh37 (hg19) VCF-style: chr2-15358947-C-G.
Other names: short protein forms V2128L.
Identifiers: ClinVar variation 1985881 (VCV001985881.3), dbSNP rs375991089, ClinGen allele CA42584333.
Genomic context (GRCh38, chr2:15,218,823, plus strand): 5'-ACTCCCTTACCTGTCTCTGGGGCCAGGAGGCTTTGAGAATGGCTTCAGTTCTAAAGAACA[C>G]GAGGAGCTTGCTGTCCTCCTCAGTCAGGTGAAATGATTGCCCCAAAATCTGCAGCACGTG-3'
Protein context (NP_056993.2, residues 2118-2138): HLTEEDSKLL[Val2128Leu]FFRTEAILKA

ClinVar aggregate classification (germline): Uncertain significance (1 of 4 stars; one submission).

gnomAD v4.1: 3 of 1,614,134 alleles (0.00019%); highest among the groups gnomAD compares: African/African-American, 0.0027%; no homozygotes.

Submission:

Labcorp Genetics (formerly Invitae), Labcorp
Classification: Uncertain significance. Last evaluated: 2024-06-17. Review status: criteria provided, single submitter. Criteria: Invitae Variant Classification Sherloc (09022015). Collection method: clinical testing. Allele origin: germline.
Comment: This sequence change replaces valine, which is neutral and non-polar, with leucine, which is neutral and non-polar, at codon 2128 of the NBAS protein (p.Val2128Leu). This variant is present in population databases (no rsID available, gnomAD 0.01%). This variant has not been reported in the literature in individuals affected with NBAS-related conditions. ClinVar contains an entry for this variant (Variation ID: 1985881). Advanced modeling of protein sequence and biophysical properties (such as structural, functional, and spatial information, amino acid conservation, physicochemical variation, residue mobility, and thermodynamic stability) performed at Invitae indicates that this missense variant is not expected to disrupt NBAS protein function with a negative predictive value of 95%. In summary, the available evidence is currently insufficient to determine the role of this variant in disease. Therefore, it has been classified as a Variant of Uncertain Significance.